The following is an entry in ClinVar:

ClinVar aggregate classification (germline): Conflicting classifications of pathogenicity. Review status: criteria provided, conflicting classifications (1 of 4 stars). 5 submissions from 5 submitters: Pathogenic (2); Likely pathogenic (1); Uncertain significance (2). Last evaluated 2026-06-15.

Conditions:
LAMA2-related muscular dystrophy (LAMA2-RD). Also called: Laminin alpha 2-related dystrophy. Identifiers: MedGen C5679788, MONDO:0100228.
Inborn genetic diseases. Identifiers: MedGen C0950123, MeSH D030342.
Merosin deficient congenital muscular dystrophy (MDC1A). Also called: Congenital merosin-deficient muscular dystrophy 1A; Congenital Muscular Dystrophy Type 1A (MDC1A). Identifiers: Orphanet 258, MedGen C1263858, MONDO:0011925, OMIM 607855.

Allele frequency attached by ClinVar (database versions not stated): gnomAD exomes below 0.00001.
gnomAD v4.1: 2 of 1,614,080 alleles (0.00012%); highest among the groups gnomAD compares: Non-Finnish European, 0.00017%; no homozygotes.

Submissions (5):

Myriad Genetics, Inc.
Classification: Likely pathogenic for LAMA2-related muscular dystrophy. Last evaluated: 2026-06-15. Review status: criteria provided, single submitter. Criteria: Myriad Autosomal Dominant, Autosomal Recessive and X-Linked Classification Criteria (2023). Collection method: clinical testing. Allele origin: unknown.
Comment: NM_000426.3(LAMA2):c.9212-1G>A is a variant in a canonical splice site classified as likely pathogenic in the context of muscular dystrophy, LAMA2-related. c.9212-1G>A has been observed in a case with relevant disease (PMID: 30827497). Relevant functional assessments of this variant are not available in the literature. c.9212-1G>A has not been observed in referenced population frequency databases. In summary, NM_000426.3(LAMA2):c.9212-1G>A is a variant in a canonical splice site in a gene where loss of function is a known mechanism of disease, is predicted to disrupt protein function, and has been observed more frequently in cases with the relevant disease than in healthy populations. Please note: this variant was assessed in the context of healthy population screening.

Kariminejad - Najmabadi Pathology & Genetics Center
Classification: Pathogenic for Merosin deficient congenital muscular dystrophy. Last evaluated: 2023-11-27. Review status: criteria provided, single submitter. Criteria: ACMG Guidelines, 2015. Collection method: clinical testing. Allele origin: germline. Inheritance: Autosomal recessive inheritance. Affected: yes.
Comment: PVS1_Strong,PM2_Moderate

Labcorp Genetics (formerly Invitae), Labcorp
Classification: Uncertain significance for LAMA2-related muscular dystrophy. Last evaluated: 2022-03-22. Review status: criteria provided, single submitter. Criteria: Invitae Variant Classification Sherloc (09022015). Collection method: clinical testing. Allele origin: germline.
Comment: This sequence change affects an acceptor splice site in intron 64 of the LAMA2 gene. While this variant is not anticipated to result in nonsense mediated decay, it likely alters RNA splicing and results in a disrupted protein product. This variant is not present in population databases (gnomAD no frequency). Disruption of this splice site has been observed in individual(s) with congenital muscular dystrophy (PMID: 30827497). ClinVar contains an entry for this variant (Variation ID: 92995). Variants that disrupt the consensus splice site are a relatively common cause of aberrant splicing (PMID: 17576681, 9536098). Algorithms developed to predict the effect of sequence changes on RNA splicing suggest that this variant may disrupt the consensus splice site. In summary, the available evidence is currently insufficient to determine the role of this variant in disease. Therefore, it has been classified as a Variant of Uncertain Significance.

Ambry Genetics
Classification: Uncertain significance for Inborn genetic diseases. Last evaluated: 2021-08-19. Review status: criteria provided, single submitter. Criteria: Ambry Variant Classification Scheme 2023. Collection method: clinical testing. Allele origin: germline.
Comment: The c.9212-1G>A intronic alteration consists of a G to A substitution 1 nucleotides before coding exon 65 in the LAMA2 gene. This variant was not reported in population-based cohorts in the Genome Aggregation Database (gnomAD). This alteration is predicted to be deleterious by in silico analysis. Based on insufficient or conflicting evidence, the clinical significance of this alteration remains unclear.

Eurofins Ntd Llc (ga)
Classification: Pathogenic. Last evaluated: 2012-11-01. Review status: criteria provided, single submitter. Criteria: EGL Classification Definitions. Collection method: clinical testing. Allele origin: germline. Observed: 2 variant alleles, 2 heterozygotes.

Literature cited by the submitters: PubMed 30827497 (cited by 3 submitters); PubMed 17576681 (cited by Labcorp Genetics (formerly Invitae), Labcorp); PubMed 9536098 (cited by Labcorp Genetics (formerly Invitae), Labcorp).

NM_000426.4(LAMA2):c.9212-1G>A

Gene: LAMA2 (laminin subunit alpha 2; plus strand). Cytogenetic location: 6q22.33.
Variant type: single nucleotide variant.
Coding change: c.9212-1G>A on transcript NM_000426.4 (MANE Select); the canonical splice acceptor site of the intron before coding-DNA position 9212, G replaced by A.
Molecular consequence: splice acceptor variant.
Genome position (GRCh38, 1-based): chr6:129,516,189, G>A. VCF-style: chr6-129516189-G-A. GRCh37 (hg19) VCF-style: chr6-129837334-G-A.
Other names: c.9200-1G>A (NM_001079823.2).
Identifiers: ClinVar variation 92995 (VCV000092995.12), dbSNP rs398123391, ClinGen allele CA220820.